The following is an entry in ClinVar:

NM_001267550.2(TTN):c.38465-6T>G

Gene: TTN (titin; minus strand). Cytogenetic location: 2q31.2.
Variant type: single nucleotide variant.
Coding change: c.38465-6T>G on transcript NM_001267550.2 (MANE Select); 6 bases into the intron before coding-DNA position 38465, T replaced by G.
Molecular consequence: intron variant.
Genome position (GRCh38, 1-based): chr2:178,653,903, A>C on the plus strand (T>G on the coding strand, the complement: TTN is on the minus strand). VCF-style: chr2-178653903-A-C. GRCh37 (hg19) VCF-style: chr2-179518630-A-C.
Other names: c.13283-11586T>G (NM_003319.4); c.13859-11586T>G (NM_133437.4); c.13658-11586T>G (NM_133432.3); c.31742-1362T>G (NM_133378.4); c.34523-1362T>G (NM_001256850.1).
Identifiers: ClinVar variation 3353524 (VCV003353524.1).

ClinVar aggregate classification (germline): Uncertain significance (0 of 4 stars; one submission).

Conditions:
TTN-related disorder. Also called: TTN-related condition; TTN-related disease; TTN-related disorders.

gnomAD v4.1: 3 of 1,591,046 alleles (0.00019%); highest among the groups gnomAD compares: Non-Finnish European, 0.00025%; no homozygotes.

Submission:

PreventionGenetics, part of Exact Sciences
Classification: Uncertain significance for TTN-related condition. Last evaluated: 2024-08-26. Review status: no assertion criteria provided. Collection method: clinical testing. Allele origin: germline.
Comment: The TTN c.38465-6T>G variant is predicted to interfere with splicing. To our knowledge, this variant has not been reported in the literature or in a large population database, indicating this variant is rare. At this time, the clinical significance of this variant is uncertain due to the absence of conclusive functional and genetic evidence.